The following is an entry in ClinVar:

ClinVar aggregate classification (germline): Likely benign (0 of 4 stars; one submission).

Conditions:
TBC1D1-related disorder. Also called: TBC1D1-related condition.

Allele frequency attached by ClinVar (database versions not stated): ExAC 0.00034; 1000 Genomes Project 30x 0.00078; 1000 Genomes Project 0.00100.
gnomAD v4.1: 134 of 1,611,076 alleles (0.0083%); highest among the groups gnomAD compares: East Asian, 0.24%; no homozygotes.

Submission:

PreventionGenetics, part of Exact Sciences
Classification: Likely benign for TBC1D1-related condition. Last evaluated: 2020-09-30. Review status: no assertion criteria provided. Collection method: clinical testing. Allele origin: germline.
Comment: This variant is classified as likely benign based on ACMG/AMP sequence variant interpretation guidelines (Richards et al. 2015 PMID: 25741868, with internal and published modifications).

NM_001396959.1(TBC1D1):c.3764C>T (p.Thr1255Met)

Gene: TBC1D1 (TBC1 domain family member 1; plus strand). Cytogenetic location: 4p14.
Variant type: single nucleotide variant.
Coding change: c.3764C>T on transcript NM_001396959.1 (MANE Select); coding-DNA position 3764, C replaced by T.
Protein change: p.Thr1255Met; replaces threonine 1255 with methionine.
Molecular consequence: missense variant.
Genome position (GRCh38, 1-based): chr4:38,137,310, C>T. VCF-style: chr4-38137310-C-T. GRCh37 (hg19) VCF-style: chr4-38138931-C-T.
Other names: c.3455C>T, p.Thr1152Met (NM_001253912.2); c.773C>T, p.Thr258Met (NM_001253913.2, NM_001253914.2); c.518C>T, p.Thr173Met (NM_001253915.2); c.3482C>T, p.Thr1161Met (NM_015173.4); short protein forms T1152M, T1161M, T1255M, T173M, T258M.
Identifiers: ClinVar variation 3050964 (VCV003050964.2), dbSNP rs575644987, ClinGen allele CA2888397.